The following is an entry in ClinVar:

ClinVar aggregate classification (germline): Uncertain significance (1 of 4 stars; one submission).

Conditions:
Inborn genetic diseases. Identifiers: MedGen C0950123, MeSH D030342.

Allele frequency attached by ClinVar (database versions not stated): gnomAD exomes below 0.00001.
gnomAD v4.1: 4 of 1,613,536 alleles (0.00025%); highest among the groups gnomAD compares: Non-Finnish European, 0.00034%; no homozygotes.

Submission:

Ambry Genetics
Classification: Uncertain significance for Inborn genetic diseases. Last evaluated: 2023-04-01. Review status: criteria provided, single submitter. Criteria: Ambry Variant Classification Scheme 2023. Collection method: clinical testing. Allele origin: germline.
Comment: The p.A1904V variant (also known as c.5711C>T), located in coding exon 39 of the LRRK2 gene, results from a C to T substitution at nucleotide position 5711. The alanine at codon 1904 is replaced by valine, an amino acid with similar properties. This amino acid position is conserved. In addition, this alteration is predicted to be deleterious by in silico analysis. Since supporting evidence is limited at this time, the clinical significance of this alteration remains unclear.

NM_198578.4(LRRK2):c.5711C>T (p.Ala1904Val)

Gene: LRRK2 (leucine rich repeat kinase 2; plus strand). Cytogenetic location: 12q12.
Variant type: single nucleotide variant.
Coding change: c.5711C>T on transcript NM_198578.4 (MANE Select); coding-DNA position 5711, C replaced by T.
Protein change: p.Ala1904Val; replaces alanine 1904 with valine.
Molecular consequence: missense variant.
Genome position (GRCh38, 1-based): chr12:40,328,414, C>T. VCF-style: chr12-40328414-C-T. GRCh37 (hg19) VCF-style: chr12-40722216-C-T.
Other names: short protein forms A1904V.
Identifiers: ClinVar variation 2567344 (VCV002567344.2), dbSNP rs2499907610, ClinGen allele CA384399626.
Genomic context (GRCh38, chr12:40,328,414, plus strand): 5'-CAAAAGGTGATGGCAGTTTTGGATCAGTTTACCGAGCAGCCTATGAAGGAGAAGAAGTGG[C>T]TGTGAAGATTTTTAATAAACATACATCACTCAGGCTGTTAAGACAAGTAAGAAATTCAAT-3'
Protein context (NP_940980.4, residues 1894-1914): YRAAYEGEEV[Ala1904Val]VKIFNKHTSL